The following is an entry in ClinVar:

NM_000092.5(COL4A4):c.4809+3G>C

Gene: COL4A4 (collagen type IV alpha 4 chain; minus strand). Cytogenetic location: 2q36.3.
Variant type: single nucleotide variant.
Coding change: c.4809+3G>C on transcript NM_000092.5 (MANE Select); 3 bases into the intron after coding-DNA position 4809, G replaced by C.
Molecular consequence: intron variant.
Genome position (GRCh38, 1-based): chr2:227,008,015, C>G on the plus strand (G>C on the coding strand, the complement: COL4A4 is on the minus strand). VCF-style: chr2-227008015-C-G. GRCh37 (hg19) VCF-style: chr2-227872731-C-G.
Identifiers: ClinVar variation 4730421 (VCV004730421.1).
Genomic context (GRCh38, chr2:227,008,015, plus strand): 5'-ATGGCGGGAGAAGGTGTTAGGAAATGGTGAATGAGCCAGGGTTTTCAAGGGCACGGGACT[C>G]ACCATCAGGAATGAATACCCGATCCAGAGGCTCCTCCAGGTCTGCGGACATGGGGGGATG-3'

ClinVar aggregate classification (germline): Uncertain significance (1 of 4 stars; one submission).

Submission:

Labcorp Genetics (formerly Invitae), Labcorp
Classification: Uncertain significance. Last evaluated: 2025-11-03. Review status: criteria provided, single submitter. Criteria: Invitae Variant Classification Sherloc (09022015). Collection method: clinical testing. Allele origin: germline.
Comment: This sequence change falls in intron 47 of the COL4A4 gene. It does not directly change the encoded amino acid sequence of the COL4A4 protein. It affects a nucleotide within the consensus splice site. This variant is not present in population databases (gnomAD no frequency). This variant has not been reported in the literature in individuals affected with COL4A4-related conditions. Variants that disrupt the consensus splice site are a relatively common cause of aberrant splicing (PMID: 17576681, 9536098). Algorithms developed to predict the effect of sequence changes on RNA splicing suggest that this variant may disrupt the consensus splice site. In summary, the available evidence is currently insufficient to determine the role of this variant in disease. Therefore, it has been classified as a Variant of Uncertain Significance.

Literature cited by the submitters: PubMed 17576681; PubMed 9536098.